The following is an entry in ClinVar:

NM_020365.5(EIF2B3):c.25G>A (p.Ala9Thr)

Gene: EIF2B3 (eukaryotic translation initiation factor 2B subunit gamma; minus strand). Cytogenetic location: 1p34.1.
Variant type: single nucleotide variant.
Coding change: c.25G>A on transcript NM_020365.5 (MANE Select); coding-DNA position 25, G replaced by A.
Protein change: p.Ala9Thr; replaces alanine 9 with threonine.
Molecular consequence: missense variant.
Genome position (GRCh38, 1-based): chr1:44,981,144, C>T on the plus strand (G>A on the coding strand, the complement: EIF2B3 is on the minus strand). VCF-style: chr1-44981144-C-T. GRCh37 (hg19) VCF-style: chr1-45446816-C-T.
Other names: c.25G>A, p.Ala9Thr (NM_001166588.3, NM_001261418.2); short protein forms A9T.
Identifiers: ClinVar variation 1384737 (VCV001384737.6), dbSNP rs2148965799, ClinGen allele CA340102241.

ClinVar aggregate classification (germline): Uncertain significance (1 of 4 stars; one submission).

Submission:

Labcorp Genetics (formerly Invitae), Labcorp
Classification: Uncertain significance. Last evaluated: 2024-10-25. Review status: criteria provided, single submitter. Criteria: Invitae Variant Classification Sherloc (09022015). Collection method: clinical testing. Allele origin: germline.
Comment: This sequence change replaces alanine, which is neutral and non-polar, with threonine, which is neutral and polar, at codon 9 of the EIF2B3 protein (p.Ala9Thr). This variant is not present in population databases (gnomAD no frequency). This missense change has been observed in individual(s) with clinical features of leukoencephalopathy with vanishing white matter (internal data). ClinVar contains an entry for this variant (Variation ID: 1384737). Invitae Evidence Modeling of protein sequence and biophysical properties (such as structural, functional, and spatial information, amino acid conservation, physicochemical variation, residue mobility, and thermodynamic stability) indicates that this missense variant is expected to disrupt EIF2B3 protein function with a positive predictive value of 80%. In summary, the available evidence is currently insufficient to determine the role of this variant in disease. Therefore, it has been classified as a Variant of Uncertain Significance.